The following is an entry in ClinVar:

ClinVar aggregate classification (germline): Pathogenic (1 of 4 stars; one submission).

Conditions:
Retinitis pigmentosa 25 (RP25). Identifiers: Orphanet 791, MedGen C1864446, MONDO:0011272, OMIM 602772.

Submission:

Myriad Genetics, Inc.
Classification: Pathogenic for Retinitis pigmentosa 25. Last evaluated: 2023-09-05. Review status: criteria provided, single submitter. Criteria: Myriad Autosomal Dominant, Autosomal Recessive and X-Linked Classification Criteria (2023). Collection method: clinical testing. Allele origin: unknown.
Comment: NM_001142800.1(EYS):c.6658C>T(Q2220*) is expected to be pathogenic in the context of retinitis pigmentosa, EYS-related. This variant is predicted to lead to an abnormal or absent protein product due to the creation of a premature termination codon in EYS, a gene where loss-of-function variants are known to be pathogenic. Please note: this variant was assessed in the context of healthy population screening.

NM_001142800.2(EYS):c.6658C>T (p.Gln2220Ter)

Gene: EYS (EGF-like photoreceptor maintenance factor; minus strand). Cytogenetic location: 6q12.
Variant type: single nucleotide variant.
Coding change: c.6658C>T on transcript NM_001142800.2 (MANE Select); coding-DNA position 6658, C replaced by T.
Protein change: p.Gln2220Ter; replaces glutamine 2220 with a stop codon.
Molecular consequence: nonsense.
Genome position (GRCh38, 1-based): chr6:64,066,405, G>A on the plus strand (C>T on the coding strand, the complement: EYS is on the minus strand). VCF-style: chr6-64066405-G-A. GRCh37 (hg19) VCF-style: chr6-64776298-G-A.
Other names: c.6658C>T, p.Gln2220Ter (NM_001292009.2); short protein forms Q2220*.
Identifiers: ClinVar variation 5011579 (VCV005011579.1).